The following is an entry in ClinVar:

NM_003072.5(SMARCA4):c.1995G>C (p.Glu665Asp)

Gene: SMARCA4 (SWI/SNF related BAF chromatin remodeling complex subunit ATPase 4; plus strand). Cytogenetic location: 19p13.2.
Variant type: single nucleotide variant.
Coding change: c.1995G>C on transcript NM_003072.5 (MANE Select); coding-DNA position 1995, G replaced by C.
Protein change: p.Glu665Asp; replaces glutamic acid 665 with aspartic acid.
Molecular consequence: missense variant. On other transcripts: non-coding transcript variant (1).
Genome position (GRCh38, 1-based): chr19:11,003,391, G>C. VCF-style: chr19-11003391-G-C. GRCh37 (hg19) VCF-style: chr19-11114067-G-C.
Other names: c.1995G>C, p.Glu665Asp (NM_001128844.3, NM_001128845.2, NM_001128846.2 and 6 more transcripts); short protein forms E665D.
Identifiers: ClinVar variation 4761328 (VCV004761328.1).

ClinVar aggregate classification (germline): Uncertain significance (1 of 4 stars; one submission).

Conditions:
Rhabdoid tumor predisposition syndrome 2 (RTPS2). Identifiers: Orphanet 231108, Orphanet 69077, MedGen C2750074, MONDO:0013224, OMIM 613325.

Submission:

Labcorp Genetics (formerly Invitae), Labcorp
Classification: Uncertain significance for Rhabdoid tumor predisposition syndrome 2. Last evaluated: 2025-03-05. Review status: criteria provided, single submitter. Criteria: Invitae Variant Classification Sherloc (09022015). Collection method: clinical testing. Allele origin: germline.
Comment: This sequence change replaces glutamic acid, which is acidic and polar, with aspartic acid, which is acidic and polar, at codon 665 of the SMARCA4 protein (p.Glu665Asp). This variant is not present in population databases (gnomAD no frequency). This variant has not been reported in the literature in individuals affected with SMARCA4-related conditions. Invitae Evidence Modeling of protein sequence and biophysical properties (such as structural, functional, and spatial information, amino acid conservation, physicochemical variation, residue mobility, and thermodynamic stability) indicates that this missense variant is not expected to disrupt SMARCA4 protein function with a negative predictive value of 95%. In summary, the available evidence is currently insufficient to determine the role of this variant in disease. Therefore, it has been classified as a Variant of Uncertain Significance.